The following is an entry in ClinVar:

ClinVar aggregate classification (germline): Pathogenic/Likely pathogenic. Review status: criteria provided, multiple submitters, no conflicts (2 of 4 stars). 6 submissions from 6 submitters: Pathogenic (3); Likely pathogenic (2). 1 of the submissions does not count toward it. Last evaluated 2026-08-26.

Conditions:
Complex cortical dysplasia with other brain malformations 4. Identifiers: MedGen C3809420, MONDO:0014171, OMIM 615412.

Allele frequency attached by ClinVar (database versions not stated): gnomAD exomes below 0.00001.
gnomAD v4.1: 1 of 1,613,056 alleles (0.000062%); highest among the groups gnomAD compares: Non-Finnish European, 0.000085%; no homozygotes.

Submissions (6):

GeneDx
Classification: Pathogenic. Last evaluated: 2026-08-26. Review status: criteria provided, single submitter. Criteria: GeneDx Variant Classification Process June 2021. Collection method: clinical testing. Allele origin: germline.
Comment: In silico analysis supports that this missense variant has a deleterious effect on protein structure/function; Not observed at significant frequency in large population cohorts (gnomAD); This variant is associated with the following publications: (PMID: 39843441, 40298439)

Neuberg Centre For Genomic Medicine, NCGM
Classification: Likely pathogenic for Complex cortical dysplasia with other brain malformations 4. Last evaluated: 2024-02-01. Review status: criteria provided, single submitter. Criteria: ACMG Guidelines, 2015. Collection method: clinical testing. Allele origin: germline. Inheritance: Autosomal dominant inheritance. Affected: yes.
Comment: The observed variant has been previously reported in individual affected with TUBG1 related disorder (Sobering et. al., 2020). The variant was observed to be de novo. A different missense change at the same codon has been reported as pathogenic/likely pathogenic with strong evidence (Yuen et. al., 2019). Additional functional evidences will be required to confirm the pathogenicity of the variant. Hence classified as Likely Pathogenic

3billion
Classification: Pathogenic for Complex cortical dysplasia with other brain malformations 4. Last evaluated: 2022-01-03. Review status: criteria provided, single submitter. Criteria: ACMG Guidelines, 2015. Collection method: clinical testing. Allele origin: germline. Affected: yes. Observed: 1 heterozygote.
Comment: Same nucleotide change resulting in same amino acid change has been previously reported to be associated with TUBG1 related disorder (ClinVar ID: VCV000452987, PS1_P). The variant was observed to be de novo (3billion dataset, PS2_S). A different missense change at the same codon has been reported as pathogenic/likely pathogenic with strong evidence (ClinVar ID: VCV000373145, PM5_M). In silico tool predictions suggest damaging effect of the variant on gene or gene product (REVEL: 0.795, 3CNET: 0.963, PP3_P). A missense variant is a common mechanism associated with Cortical dysplasia (PP2_P). It is not observed in the gnomAD v2.1.1 dataset (PM2_M).Therefore, this variant is classified as pathogenic according to the recommendation of ACMG/AMP guideline.

Juno Genomics, Hangzhou Juno Genomics, Inc
Classification: Likely pathogenic for Complex cortical dysplasia with other brain malformations 4. Review status: criteria provided, single submitter. Criteria: ACMG Guidelines, 2015. Collection method: clinical testing. Allele origin: germline. Affected: yes.
Comment: Absent from controls (or at extremely low frequency if recessive) in Genome Aggregation Database.;Multiple lines of computational evidence support a deleterious effect on the gene or gene product.;Missense variant in a gene that has a low rate of benign missense variation.;Novel missense change at an amino acid residue where a different missense change determined to be pathogenic has been seen before.;De novo (both maternity and paternity confirmed) in a patient with the disease and no family history.;The prevalence of the variant in affected individuals is significantly increased compared to the prevalence in controls.

Suma Genomics
Classification: Pathogenic for Complex cortical dysplasia with other brain malformations 4. Review status: criteria provided, single submitter. Criteria: ACMG Guidelines, 2015. Collection method: clinical testing. Allele origin: de novo. Inheritance: Autosomal dominant inheritance. Affected: yes.

Labcorp Genetics (formerly Invitae), Labcorp
Classification: Uncertain significance. Last evaluated: 2024-04-27. Review status: flagged submission. Criteria: Invitae Variant Classification Sherloc (09022015). Collection method: clinical testing. Allele origin: germline. Not counted in ClinVar's aggregate classification.
Comment: This sequence change replaces arginine, which is basic and polar, with glutamine, which is neutral and polar, at codon 341 of the TUBG1 protein (p.Arg341Gln). This variant is not present in population databases (gnomAD no frequency). This variant has not been reported in the literature in individuals affected with TUBG1-related conditions. ClinVar contains an entry for this variant (Variation ID: 452987). Advanced modeling of protein sequence and biophysical properties (such as structural, functional, and spatial information, amino acid conservation, physicochemical variation, residue mobility, and thermodynamic stability) performed at Invitae indicates that this missense variant is not expected to disrupt TUBG1 protein function with a negative predictive value of 80%. This variant disrupts the p.Arg341 amino acid residue in TUBG1. Other variant(s) that disrupt this residue have been determined to be pathogenic (PMID: 31151415). This suggests that this residue is clinically significant, and that variants that disrupt this residue are likely to be disease-causing. In summary, the available evidence is currently insufficient to determine the role of this variant in disease. Therefore, it has been classified as a Variant of Uncertain Significance.
ClinVar note: Reason: Outlier claim with insufficient supporting evidence

Literature cited by the submitters: PubMed 31151415 (cited by Labcorp Genetics (formerly Invitae), Labcorp).

NM_001070.5(TUBG1):c.1022G>A (p.Arg341Gln)

Gene: TUBG1 (tubulin gamma 1; plus strand). Cytogenetic location: 17q21.2.
Variant type: single nucleotide variant.
Coding change: c.1022G>A on transcript NM_001070.5 (MANE Select); coding-DNA position 1022, G replaced by A.
Protein change: p.Arg341Gln; replaces arginine 341 with glutamine.
Molecular consequence: missense variant.
Genome position (GRCh38, 1-based): chr17:42,614,521, G>A. VCF-style: chr17-42614521-G-A. GRCh37 (hg19) VCF-style: chr17-40766539-G-A.
Other names: short protein forms R341Q.
Identifiers: ClinVar variation 452987 (VCV000452987.13), dbSNP rs1555631467, ClinGen allele CA399628594.
Genomic context (GRCh38, chr17:42,614,521, plus strand): 5'-AGAGGCCACCTCCACTGCTCCTATGCCCACCCCAGGTCCACAAGAGCTTGCAGAGGATCC[G>A]GGAACGCAAGTTGGCCAACTTCATCCCGTGGGGCCCCGCCAGCATCCAGGTGGCCCTGTC-3'
Protein context (NP_001061.2, residues 331-351): TQVHKSLQRI[Arg341Gln]ERKLANFIPW